The following is an entry in ClinVar:

NM_001195518.2(MICU1):c.239G>A (p.Gly80Glu)

Gene: MICU1 (mitochondrial calcium uptake 1; minus strand). Cytogenetic location: 10q22.1.
Variant type: single nucleotide variant.
Coding change: c.239G>A on transcript NM_001195518.2 (MANE Select); coding-DNA position 239, G replaced by A.
Protein change: p.Gly80Glu; replaces glycine 80 with glutamic acid.
Molecular consequence: missense variant.
Genome position (GRCh38, 1-based): chr10:72,562,986, C>T on the plus strand (G>A on the coding strand, the complement: MICU1 is on the minus strand). VCF-style: chr10-72562986-C-T. GRCh37 (hg19) VCF-style: chr10-74322744-C-T.
Other names: c.239G>A, p.Gly80Glu (NM_006077.4, NM_001363513.2); short protein forms G80E.
Identifiers: ClinVar variation 1714011 (VCV001714011.5), dbSNP rs1840337677, ClinGen allele CA377395409.

ClinVar aggregate classification (germline): Uncertain significance (1 of 4 stars; one submission).

gnomAD v4.1: 4 of 1,609,244 alleles (0.00025%); highest among the groups gnomAD compares: South Asian, 0.0011%; no homozygotes.

Submission:

Labcorp Genetics (formerly Invitae), Labcorp
Classification: Uncertain significance. Last evaluated: 2022-07-27. Review status: criteria provided, single submitter. Criteria: Invitae Variant Classification Sherloc (09022015). Collection method: clinical testing. Allele origin: germline.
Comment: In summary, the available evidence is currently insufficient to determine the role of this variant in disease. Therefore, it has been classified as a Variant of Uncertain Significance. Algorithms developed to predict the effect of missense changes on protein structure and function output the following: SIFT: "Tolerated"; PolyPhen-2: "Not Available"; Align-GVGD: "Class C0". The glutamic acid amino acid residue is found in multiple mammalian species, which suggests that this missense change does not adversely affect protein function. This variant has not been reported in the literature in individuals affected with MICU1-related conditions. This variant is not present in population databases (gnomAD no frequency). This sequence change replaces glycine, which is neutral and non-polar, with glutamic acid, which is acidic and polar, at codon 80 of the MICU1 protein (p.Gly80Glu).